The following is an entry in ClinVar:

ClinVar aggregate classification (germline): Uncertain significance (1 of 4 stars; one submission).

Conditions:
Hypertrophic cardiomyopathy. Also called: HYPERTROPHIC MYOCARDIOPATHY. Identifiers: Orphanet 217569, MedGen C0007194, MeSH D002312, MONDO:0005045, HP:0001639.

Submission:

Labcorp Genetics (formerly Invitae), Labcorp
Classification: Uncertain significance for Hypertrophic cardiomyopathy. Last evaluated: 2023-09-08. Review status: criteria provided, single submitter. Criteria: Invitae Variant Classification Sherloc (09022015). Collection method: clinical testing. Allele origin: germline.
Comment: This sequence change falls in intron 16 of the MYBPC3 gene. It does not directly change the encoded amino acid sequence of the MYBPC3 protein. It affects a nucleotide within the consensus splice site. This variant is not present in population databases (gnomAD no frequency). In summary, the available evidence is currently insufficient to determine the role of this variant in disease. Therefore, it has been classified as a Variant of Uncertain Significance. Variants that disrupt the consensus splice site are a relatively common cause of aberrant splicing (PMID: 17576681, 9536098). Algorithms developed to predict the effect of sequence changes on RNA splicing suggest that this variant may disrupt the consensus splice site. This variant has not been reported in the literature in individuals affected with MYBPC3-related conditions.

Literature cited by the submitters: PubMed 17576681; PubMed 9536098.

NM_000256.3(MYBPC3):c.1458-3T>G

Gene: MYBPC3 (myosin binding protein C3; minus strand). Cytogenetic location: 11p11.2.
Variant type: single nucleotide variant.
Coding change: c.1458-3T>G on transcript NM_000256.3 (MANE Select); 3 bases into the intron before coding-DNA position 1458, T replaced by G.
Molecular consequence: intron variant.
Genome position (GRCh38, 1-based): chr11:47,342,747, A>C on the plus strand (T>G on the coding strand, the complement: MYBPC3 is on the minus strand). VCF-style: chr11-47342747-A-C. GRCh37 (hg19) VCF-style: chr11-47364298-A-C.
Identifiers: ClinVar variation 2759190 (VCV002759190.3), dbSNP rs111357068, ClinGen allele CA2697548579.
Genomic context (GRCh38, chr11:47,342,747, plus strand): 5'-CTTCTTGAACCGGTATTTGAAGGTCTCCTCCCGGGTCAGCTCCACCCCGTCCTTCAGCCT[A>C]GCCGGGTGGGTGGGTGGCAAGTGCTGTGGCCTCTTCTGGGCAGATGCCCCCAACACCCAT-3'